The following is an entry in ClinVar:

ClinVar aggregate classification (germline): Uncertain significance. Review status: criteria provided, single submitter (1 of 4 stars). 2 submissions from 2 submitters: Uncertain significance (1). 1 of the submissions does not count toward it. Last evaluated 2017-03-22.

Conditions:
Neuronal ceroid lipofuscinosis. Also called: Neuronal Ceroid Lipofuscinoses. Identifiers: Orphanet 216, Orphanet 79263, MedGen C0027877, MONDO:0016295. Disease mechanism: loss of function.

Allele frequency attached by ClinVar (database versions not stated): gnomAD exomes below 0.00001.

Submissions (2):

GeneDx
Classification: Uncertain significance. Last evaluated: 2017-03-22. Review status: criteria provided, single submitter. Criteria: GeneDx Variant Classification (06012015). Collection method: clinical testing. Allele origin: germline. Affected: yes.
Comment: A variant of uncertain significance has been identified in the CLN5 gene. The S74F variant has not been published as a pathogenic variant, nor has it been reported as a benign variant to our knowledge. The S74F variant is not observed in large population cohorts (Lek et al., 2016; 1000 Genomes Consortium et al., 2015; Exome Variant Server). The S74F variant is a non-conservative amino acid substitution, which is likely to impact secondary protein structure as these residues differ in polarity, charge, size and/or other properties. However, this substitution occurs at a position that is not conserved and in silico analysis is inconsistent in its predictions as to whether or not the variant is damaging to the protein structure/function. Therefore, based on the currently available information, it is unclear whether this variant is a pathogenic variant or a rare benign variant.

Natera, Inc.
Classification: Uncertain significance for Neuronal ceroid lipofuscinosis. Last evaluated: 2021-09-09. Review status: no assertion criteria provided. Collection method: clinical testing. Allele origin: germline. Not counted in ClinVar's aggregate classification.

NM_006493.4(CLN5):c.74C>T (p.Ser25Phe)

Genes: CLN5 (CLN5 lysosomal BMP synthase; plus strand), LOC130009913 (ATAC-STARR-seq lymphoblastoid silent region 5414; plus strand). Cytogenetic location: 13q22.3.
Variant type: single nucleotide variant.
Coding change: c.74C>T on transcript NM_006493.4 (MANE Select); coding-DNA position 74, C replaced by T.
Protein change: p.Ser25Phe; replaces serine 25 with phenylalanine.
Molecular consequence: missense variant.
Genome position (GRCh38, 1-based): chr13:76,992,172, C>T. VCF-style: chr13-76992172-C-T. GRCh37 (hg19) VCF-style: chr13-77566307-C-T.
Other names: c.221C>T (LRG_692t1); c.74C>T, p.Ser25Phe (NM_001366624.2); short protein forms S25F.
Identifiers: ClinVar variation 426952 (VCV000426952.3), dbSNP rs1085307868, ClinGen allele CA388306480.
Genomic context (GRCh38, chr13:76,992,172, plus strand): 5'-TAGACACGGCACAGGGCGCCGAGATGCGGCGGGGCGCGGGCGCGGCTCGGGGACGCGCTT[C>T]CTGGTGCTGGGCCCTGGCGCTGCTTTGGCTCGCGGTGGTTCCGGGCTGGTCCCGGGTCTC-3'
Protein context (NP_006484.2, residues 15-35): RGAGAARGRA[Ser25Phe]WCWALALLWL